The following is an entry in ClinVar:

NM_006734.4(HIVEP2):c.896C>T (p.Pro299Leu)

Gene: HIVEP2 (HIVEP zinc finger 2; minus strand). Cytogenetic location: 6q24.2.
Variant type: single nucleotide variant.
Coding change: c.896C>T on transcript NM_006734.4 (MANE Select); coding-DNA position 896, C replaced by T.
Protein change: p.Pro299Leu; replaces proline 299 with leucine.
Molecular consequence: missense variant.
Genome position (GRCh38, 1-based): chr6:142,773,843, G>A on the plus strand (C>T on the coding strand, the complement: HIVEP2 is on the minus strand). VCF-style: chr6-142773843-G-A. GRCh37 (hg19) VCF-style: chr6-143094980-G-A.
Other names: short protein forms P299L.
Identifiers: ClinVar variation 3899610 (VCV003899610.1).

ClinVar aggregate classification (germline): Uncertain significance (1 of 4 stars; one submission).

gnomAD v4.1: 1 of 1,613,570 alleles (0.000062%); highest among the groups gnomAD compares: East Asian, 0.0022%; no homozygotes.

Submission:

GeneDx
Classification: Uncertain significance. Last evaluated: 2024-11-15. Review status: criteria provided, single submitter. Criteria: GeneDx Variant Classification Process June 2021. Collection method: clinical testing. Allele origin: germline. Affected: yes.
Comment: Not observed at significant frequency in large population cohorts (gnomAD); In silico analysis indicates that this missense variant does not alter protein structure/function; Has not been previously published as pathogenic or benign to our knowledge